The following is an entry in ClinVar:

NM_153460.4(IL17RC):c.175C>T (p.Pro59Ser)

Gene: IL17RC (interleukin 17 receptor C; plus strand). Cytogenetic location: 3p25.3.
Variant type: single nucleotide variant.
Coding change: c.175C>T on transcript NM_153460.4 (MANE Select); coding-DNA position 175, C replaced by T.
Protein change: p.Pro59Ser; replaces proline 59 with serine.
Molecular consequence: missense variant. On other transcripts: non-coding transcript variant (1).
Genome position (GRCh38, 1-based): chr3:9,917,970, C>T. VCF-style: chr3-9917970-C-T. GRCh37 (hg19) VCF-style: chr3-9959654-C-T.
Other names: c.175C>T, p.Pro59Ser (NM_001203263.2, NM_001203264.2, NM_001203265.2 and 4 more transcripts); c.388C>T, p.Pro130Ser (NM_153461.4); short protein forms P59S, P130S.
Identifiers: ClinVar variation 661489 (VCV000661489.6), dbSNP rs753283137, ClinGen allele CA2246758.
Genomic context (GRCh38, chr3:9,917,970, plus strand): 5'-CCTCCACACACAGACAGTGACATACTCTGCCTGCCTGGGGACATCGTGCCTGCTCCGGGC[C>T]CCGTGCTGGCGCCTACGCACCTGCAGACAGAGCTGGTGCTGAGGTGCCAGAAGGAGACCG-3'
Protein context (NP_703190.2, residues 49-69): LPGDIVPAPG[Pro59Ser]VLAPTHLQTE

ClinVar aggregate classification (germline): Uncertain significance. Review status: criteria provided, multiple submitters, no conflicts (2 of 4 stars). 2 submissions from 2 submitters: Uncertain significance (2). Last evaluated 2025-08-27.

Conditions:
Candidiasis, familial, 9 (CANDF9). Identifiers: Orphanet 1334, MedGen C4225324, MONDO:0014642, OMIM 616445.

Allele frequency attached by ClinVar (database versions not stated): ExAC 0.00001; gnomAD exomes 0.00001.
gnomAD v4.1: 4 of 1,613,768 alleles (0.00025%); highest among the groups gnomAD compares: East Asian, 0.0045%; no homozygotes.

Submissions (2):

Labcorp Genetics (formerly Invitae), Labcorp
Classification: Uncertain significance for Candidiasis, familial, 9. Last evaluated: 2025-08-27. Review status: criteria provided, single submitter. Criteria: Invitae Variant Classification Sherloc (09022015). Collection method: clinical testing. Allele origin: germline.
Comment: This sequence change replaces proline, which is neutral and non-polar, with serine, which is neutral and polar, at codon 130 of the IL17RC protein (p.Pro130Ser). This variant is present in population databases (rs753283137, gnomAD 0.006%). This variant has not been reported in the literature in individuals affected with IL17RC-related conditions. ClinVar contains an entry for this variant (Variation ID: 661489). An algorithm developed to predict the effect of missense changes on protein structure and function (PolyPhen-2) suggests that this variant is likely to be disruptive. In summary, the available evidence is currently insufficient to determine the role of this variant in disease. Therefore, it has been classified as a Variant of Uncertain Significance.

Ambry Genetics
Classification: Uncertain significance. Last evaluated: 2024-10-09. Review status: criteria provided, single submitter. Criteria: Ambry Variant Classification Scheme 2023. Collection method: clinical testing. Allele origin: germline.